The following is an entry in ClinVar:

ClinVar aggregate classification (germline): Uncertain significance (1 of 4 stars; one submission).

Conditions:
Amyotrophic lateral sclerosis type 4 (ALS4). Also called: AMYOTROPHIC LATERAL SCLEROSIS 4, JUVENILE; NEURONOPATHY, DISTAL HEREDITARY MOTOR, WITH PYRAMIDAL FEATURES. Identifiers: Orphanet 357043, MedGen C1865409, MONDO:0011223, OMIM 602433.
Spinocerebellar ataxia, autosomal recessive, with axonal neuropathy 2 (SCAN2). Also called: ATAXIA-OCULOMOTOR APRAXIA 2; Ataxia with Oculomotor Apraxia Type 2; Ataxia-ocular apraxia-2; Ataxia with Oculomotor Apraxia. Identifiers: Orphanet 64753, MedGen C1853761, MONDO:0018996, OMIM 606002.

Submission:

Labcorp Genetics (formerly Invitae), Labcorp
Classification: Uncertain significance for Amyotrophic lateral sclerosis type 4; Spinocerebellar ataxia, autosomal recessive, with axonal neuropathy 2. Last evaluated: 2024-06-20. Review status: criteria provided, single submitter. Criteria: Invitae Variant Classification Sherloc (09022015). Collection method: clinical testing. Allele origin: germline.
Comment: This sequence change replaces cysteine, which is neutral and slightly polar, with tyrosine, which is neutral and polar, at codon 1110 of the SETX protein (p.Cys1110Tyr). This variant is not present in population databases (gnomAD no frequency). This variant has not been reported in the literature in individuals affected with SETX-related conditions. Advanced modeling of protein sequence and biophysical properties (such as structural, functional, and spatial information, amino acid conservation, physicochemical variation, residue mobility, and thermodynamic stability) performed at Invitae indicates that this missense variant is not expected to disrupt SETX protein function with a negative predictive value of 95%. In summary, the available evidence is currently insufficient to determine the role of this variant in disease. Therefore, it has been classified as a Variant of Uncertain Significance.

NM_015046.7(SETX):c.3329G>A (p.Cys1110Tyr)

Gene: SETX (senataxin; minus strand). Cytogenetic location: 9q34.13.
Variant type: single nucleotide variant.
Coding change: c.3329G>A on transcript NM_015046.7 (MANE Select); coding-DNA position 3329, G replaced by A.
Protein change: p.Cys1110Tyr; replaces cysteine 1110 with tyrosine.
Molecular consequence: missense variant.
Genome position (GRCh38, 1-based): chr9:132,328,269, C>T on the plus strand (G>A on the coding strand, the complement: SETX is on the minus strand). VCF-style: chr9-132328269-C-T. GRCh37 (hg19) VCF-style: chr9-135203656-C-T.
Other names: c.3329G>A, p.Cys1110Tyr (NM_001351527.2, NM_001351528.2); short protein forms C1110Y.
Identifiers: ClinVar variation 3753932 (VCV003753932.2).
Genomic context (GRCh38, chr9:132,328,269, plus strand): 5'-ACTTCAGATACATAATCTGTACAACCCTGACCATTTGTAGTATTGGCTATAGGAGCCAAA[C>T]ATTTTTTCTCACCATCTTGAACTGAATTATTATCGTCTGGATGATCTTGCCAAACTGAAA-3'
Protein context (NP_055861.3, residues 1100-1120): NNSVQDGEKK[Cys1110Tyr]LAPIANTTNG